The following is an entry in ClinVar:

ClinVar aggregate classification (germline): Uncertain significance (1 of 4 stars; one submission).

gnomAD v4.1: 3 of 1,613,842 alleles (0.00019%); highest among the groups gnomAD compares: South Asian, 0.0022%; no homozygotes.

Submission:

Labcorp Genetics (formerly Invitae), Labcorp
Classification: Uncertain significance. Last evaluated: 2025-09-15. Review status: criteria provided, single submitter. Criteria: Invitae Variant Classification Sherloc (09022015). Collection method: clinical testing. Allele origin: germline.
Comment: This sequence change replaces leucine, which is neutral and non-polar, with methionine, which is neutral and non-polar, at codon 8 of the USH2A protein (p.Leu8Met). This variant is present in population databases (rs778803503, gnomAD 0.007%). This missense change has been observed in individual(s) with clinical features of Usher syndrome (internal data). ClinVar contains an entry for this variant (Variation ID: 2418666). Invitae Evidence Modeling of protein sequence and biophysical properties (such as structural, functional, and spatial information, amino acid conservation, physicochemical variation, residue mobility, and thermodynamic stability) indicates that this missense variant is not expected to disrupt USH2A protein function with a negative predictive value of 95%. In summary, the available evidence is currently insufficient to determine the role of this variant in disease. Therefore, it has been classified as a Variant of Uncertain Significance.

NM_206933.4(USH2A):c.22T>A (p.Leu8Met)

Gene: USH2A (usherin; minus strand). Cytogenetic location: 1q41.
Variant type: single nucleotide variant.
Coding change: c.22T>A on transcript NM_206933.4 (MANE Select); coding-DNA position 22, T replaced by A.
Protein change: p.Leu8Met; replaces leucine 8 with methionine.
Molecular consequence: missense variant.
Genome position (GRCh38, 1-based): chr1:216,422,315, A>T on the plus strand (T>A on the coding strand, the complement: USH2A is on the minus strand). VCF-style: chr1-216422315-A-T. GRCh37 (hg19) VCF-style: chr1-216595657-A-T.
Other names: c.22T>A, p.Leu8Met (NM_007123.6); short protein forms L8M.
Identifiers: ClinVar variation 2418666 (VCV002418666.6), dbSNP rs778803503, ClinGen allele CA1396869.